The following is an entry in ClinVar:

NM_001291303.3(FAT4):c.247A>G (p.Ile83Val)

Gene: FAT4 (FAT atypical cadherin 4; plus strand). Cytogenetic location: 4q28.1.
Variant type: single nucleotide variant.
Coding change: c.247A>G on transcript NM_001291303.3 (MANE Select); coding-DNA position 247, A replaced by G.
Protein change: p.Ile83Val; replaces isoleucine 83 with valine.
Molecular consequence: missense variant.
Genome position (GRCh38, 1-based): chr4:125,316,658, A>G. VCF-style: chr4-125316658-A-G. GRCh37 (hg19) VCF-style: chr4-126237813-A-G.
Other names: c.247A>G, p.Ile83Val (NM_001291285.3, NM_024582.6); c.247A>G (NM_001291303.1, NM_024582.4); short protein forms I83V.
Identifiers: ClinVar variation 1500387 (VCV001500387.31), dbSNP rs375241448, ClinGen allele CA3071773.

ClinVar aggregate classification (germline): Uncertain significance. Review status: criteria provided, multiple submitters, no conflicts (2 of 4 stars). 5 submissions from 5 submitters: Uncertain significance (5). Last evaluated 2026-09-01.

Conditions:
FAT4-related disorder. Also called: FAT4-related condition.
Inborn genetic diseases. Identifiers: MedGen C0950123, MeSH D030342.

Allele frequency attached by ClinVar (database versions not stated): gnomAD exomes 0.00002 and 0.00003; TOPMed 0.00002; gnomAD 0.00003; ExAC 0.00005; ESP Exome Variant Server 0.00008; 1000 Genomes Project 0.00040; 1000 Genomes Project 30x 0.00047.
gnomAD v4.1: 28 of 1,613,704 alleles (0.0017%); highest among the groups gnomAD compares: Non-Finnish European, 0.0018%; no homozygotes.

Submissions (5):

PreventionGenetics, part of Exact Sciences
Classification: Uncertain significance for FAT4-related condition. Last evaluated: 2026-09-01. Review status: criteria provided, single submitter. Criteria: ACMG Guidelines, 2015. Collection method: clinical testing. Allele origin: germline.
Comment: The FAT4 c.247A>G variant is predicted to result in the amino acid substitution p.Ile83Val. To our knowledge, this variant has not been reported in the literature. This variant is reported in 0.020% of alleles in individuals of Ashkenazi Jewish descent in gnomAD. At this time, the clinical significance of this variant is uncertain due to the absence of conclusive functional and genetic evidence.

Women's Health and Genetics/Laboratory Corporation of America, LabCorp
Classification: Uncertain significance. Last evaluated: 2025-12-23. Review status: criteria provided, single submitter. Criteria: LabCorp Variant Classification Summary - May 2015. Collection method: clinical testing. Allele origin: germline.
Comment: Variant summary: FAT4 c.247A>G (p.Ile83Val) results in a conservative amino acid change in the encoded protein sequence. Algorithms developed to predict the effect of missense changes on protein structure and function are either unavailable or do not agree on the potential impact of this missense change. The variant allele was found at a frequency of 2.8e-05 in 249026 control chromosomes. The available data on variant occurrences in the general population are insufficient to allow any conclusion about variant significance. To our knowledge, no occurrence of c.247A>G in individuals affected with FAT4-related conditions and no experimental evidence demonstrating its impact on protein function have been reported. ClinVar contains an entry for this variant (Variation ID: 1500387). Based on the evidence outlined above, the variant was classified as uncertain significance.

Ambry Genetics
Classification: Uncertain significance for Inborn genetic diseases. Last evaluated: 2024-04-23. Review status: criteria provided, single submitter. Criteria: Ambry Variant Classification Scheme 2023. Collection method: clinical testing. Allele origin: germline.

CeGaT Center for Human Genetics Tuebingen
Classification: Uncertain significance. Last evaluated: 2023-12-01. Review status: criteria provided, single submitter. Criteria: CeGaT Center For Human Genetics Tuebingen Variant Classification Criteria Version 2. Collection method: clinical testing. Allele origin: germline. Affected: yes. Observed: 1 variant allele.

Labcorp Genetics (formerly Invitae), Labcorp
Classification: Uncertain significance. Last evaluated: 2023-03-04. Review status: criteria provided, single submitter. Criteria: Invitae Variant Classification Sherloc (09022015). Collection method: clinical testing. Allele origin: germline.
Comment: In summary, the available evidence is currently insufficient to determine the role of this variant in disease. Therefore, it has been classified as a Variant of Uncertain Significance. Advanced modeling of protein sequence and biophysical properties (such as structural, functional, and spatial information, amino acid conservation, physicochemical variation, residue mobility, and thermodynamic stability) has been performed at Invitae for this missense variant, however the output from this modeling did not meet the statistical confidence thresholds required to predict the impact of this variant on FAT4 protein function. ClinVar contains an entry for this variant (Variation ID: 1500387). This variant has not been reported in the literature in individuals affected with FAT4-related conditions. This variant is present in population databases (rs375241448, gnomAD 0.02%). This sequence change replaces isoleucine, which is neutral and non-polar, with valine, which is neutral and non-polar, at codon 83 of the FAT4 protein (p.Ile83Val).